The following is an entry in ClinVar:

NM_001267550.2(TTN):c.34037C>T (p.Pro11346Leu)

Gene: TTN (titin; minus strand). Cytogenetic location: 2q31.2.
Variant type: single nucleotide variant.
Coding change: c.34037C>T on transcript NM_001267550.2 (MANE Select); coding-DNA position 34037, C replaced by T.
Protein change: p.Pro11346Leu; replaces proline 11346 with leucine.
Molecular consequence: missense variant. On other transcripts: intron variant (3).
Genome position (GRCh38, 1-based): chr2:178,677,875, G>A on the plus strand (C>T on the coding strand, the complement: TTN is on the minus strand). VCF-style: chr2-178677875-G-A. GRCh37 (hg19) VCF-style: chr2-179542602-G-A.
Other names: p.P11029L:CCT>CTT; c.33086C>T, p.Pro11029Leu (NM_001256850.1); c.30305C>T, p.Pro10102Leu (NM_133378.4); c.13283-35558C>T (NM_003319.4); c.13859-35558C>T (NM_133437.4); c.13658-35558C>T (NM_133432.3); short protein forms P11029L, P11346L, P10102L.
Identifiers: ClinVar variation 202585 (VCV000202585.2), dbSNP rs794729413, ClinGen allele CA309671.

ClinVar aggregate classification (germline): Uncertain significance (1 of 4 stars; one submission).

Allele frequency attached by ClinVar (database versions not stated): gnomAD exomes 0.00001.
gnomAD v4.1: 7 of 1,611,344 alleles (0.00043%); highest among the groups gnomAD compares: South Asian, 0.0077%; no homozygotes.

Submission:

GeneDx
Classification: Uncertain significance. Last evaluated: 2014-05-21. Review status: criteria provided, single submitter. Criteria: GeneDx Variant Classification (06012015). Collection method: clinical testing. Allele origin: germline. Affected: yes.
Comment: Missense variants in the TTN gene are considered 'unclassified' if they are not previously reported in the literature and do not have >1% frequency in the population to be considered a polymorphism. Research indicates that truncating mutations in the TTN gene are expected to account for approximately 25% of familial and 18% of sporadic idiopathic DCM; however, truncating variants in the TTN gene have been reported in approximately 3% of reported control alleles. There has been little investigation into non-truncating variants. (Herman D et al. Truncations of titin causing dilated cardiomyopathy. N Eng J Med 366:619-628, 2012) The variant is found in CARDIOMYOPATHY panel(s).